The following is an entry in ClinVar:

ClinVar aggregate classification (germline): Uncertain significance (1 of 4 stars; one submission).

Submission:

Labcorp Genetics (formerly Invitae), Labcorp
Classification: Uncertain significance. Last evaluated: 2023-03-09. Review status: criteria provided, single submitter. Criteria: Invitae Variant Classification Sherloc (09022015). Collection method: clinical testing. Allele origin: germline.
Comment: Advanced modeling of protein sequence and biophysical properties (such as structural, functional, and spatial information, amino acid conservation, physicochemical variation, residue mobility, and thermodynamic stability) performed at Invitae indicates that this missense variant is not expected to disrupt PCDH15 protein function. ClinVar contains an entry for this variant (Variation ID: 1971822). This variant has not been reported in the literature in individuals affected with PCDH15-related conditions. This variant is not present in population databases (gnomAD no frequency). This sequence change replaces valine, which is neutral and non-polar, with isoleucine, which is neutral and non-polar, at codon 1196 of the PCDH15 protein (p.Val1196Ile). In summary, the available evidence is currently insufficient to determine the role of this variant in disease. Therefore, it has been classified as a Variant of Uncertain Significance.

NM_001384140.1(PCDH15):c.3586G>A (p.Val1196Ile)

Gene: PCDH15 (protocadherin related 15; minus strand). Cytogenetic location: 10q21.1.
Variant type: single nucleotide variant.
Coding change: c.3586G>A on transcript NM_001384140.1 (MANE Select); coding-DNA position 3586, G replaced by A.
Protein change: p.Val1196Ile; replaces valine 1196 with isoleucine.
Molecular consequence: missense variant.
Genome position (GRCh38, 1-based): chr10:53,866,773, C>T on the plus strand (G>A on the coding strand, the complement: PCDH15 is on the minus strand). VCF-style: chr10-53866773-C-T. GRCh37 (hg19) VCF-style: chr10-55626533-C-T.
Other names: c.3601G>A, p.Val1201Ile (NM_001142763.2, NM_001142771.2); c.3586G>A, p.Val1196Ile (NM_001142764.2, NM_001142766.2, NM_001142770.3 and 4 more transcripts); c.3373G>A, p.Val1125Ile (NM_001142765.2); c.3475G>A, p.Val1159Ile (NM_001142767.2); c.3520G>A, p.Val1174Ile (NM_001142768.2, NM_001142773.2, NM_001354404.2); c.3622G>A, p.Val1208Ile (NM_001142769.4); c.3607G>A, p.Val1203Ile (NM_001354411.2); short protein forms V1159I, V1174I, V1203I, V1208I, V1125I, V1196I, V1201I.
Identifiers: ClinVar variation 1971822 (VCV001971822.5), dbSNP rs2079488516, ClinGen allele CA376517374.